The following is an entry in ClinVar:

NM_000257.4(MYH7):c.3246-6C>G

Gene: MYH7 (myosin heavy chain 7; minus strand). Cytogenetic location: 14q11.2.
Variant type: single nucleotide variant.
Coding change: c.3246-6C>G on transcript NM_000257.4 (MANE Select); 6 bases into the intron before coding-DNA position 3246, C replaced by G.
Molecular consequence: intron variant.
Genome position (GRCh38, 1-based): chr14:23,421,054, G>C on the plus strand (C>G on the coding strand, the complement: MYH7 is on the minus strand). VCF-style: chr14-23421054-G-C. GRCh37 (hg19) VCF-style: chr14-23890263-G-C.
Other names: c.3246-6C>G (NM_001407004.1).
Identifiers: ClinVar variation 2773935 (VCV002773935.4), dbSNP rs1336792481, ClinGen allele CA612936998.

ClinVar aggregate classification (germline): Conflicting classifications of pathogenicity. Review status: criteria provided, conflicting classifications (1 of 4 stars). 2 submissions from 2 submitters: Uncertain significance (1); Likely benign (1). Last evaluated 2024-09-23.

Conditions:
Cardiomyopathy (CMYO). Also called: Cardiomyopathies. Identifiers: Orphanet 167848, MedGen C0878544, MONDO:0004994, HP:0001638. Inheritance: Various modes of inheritance.
Hypertrophic cardiomyopathy. Also called: HYPERTROPHIC MYOCARDIOPATHY. Identifiers: Orphanet 217569, MedGen C0007194, MeSH D002312, MONDO:0005045, HP:0001639.

gnomAD v4.1: 2 of 1,612,522 alleles (0.00012%); highest among the groups gnomAD compares: South Asian, 0.0022%; no homozygotes.

Submissions (2):

Labcorp Genetics (formerly Invitae), Labcorp
Classification: Likely benign for Hypertrophic cardiomyopathy. Last evaluated: 2024-09-23. Review status: criteria provided, single submitter. Criteria: Invitae Variant Classification Sherloc (09022015). Collection method: clinical testing. Allele origin: germline.

Color Diagnostics, LLC DBA Color Health
Classification: Uncertain significance for Cardiomyopathy. Last evaluated: 2023-05-17. Review status: criteria provided, single submitter. Criteria: ACMG Guidelines, 2015. Collection method: clinical testing. Allele origin: germline.
Comment: This variant causes a C to G nucleotide substitution at the -6 position of intron 25 of the MYH7 gene. To our knowledge, functional studies have not been reported for this variant. This variant has not been reported in individuals affected with MYH7-related disorders in the literature. This variant has been identified in 1/251346 chromosomes in the general population by the Genome Aggregation Database (gnomAD). The available evidence is insufficient to determine the role of this variant in disease conclusively. Therefore, this variant is classified as a Variant of Uncertain Significance.